The following is an entry in ClinVar:

NM_002335.4(LRP5):c.2555C>T (p.Thr852Met)

Gene: LRP5 (LDL receptor related protein 5; plus strand). Cytogenetic location: 11q13.2.
Variant type: single nucleotide variant.
Coding change: c.2555C>T on transcript NM_002335.4 (MANE Select); coding-DNA position 2555, C replaced by T.
Protein change: p.Thr852Met; replaces threonine 852 with methionine.
Molecular consequence: missense variant.
Genome position (GRCh38, 1-based): chr11:68,413,740, C>T. VCF-style: chr11-68413740-C-T. GRCh37 (hg19) VCF-style: chr11-68181208-C-T.
Other names: c.2555C>T (NM_002335.3); c.812C>T, p.Thr271Met (NM_001291902.2); short protein forms T271M, T852M.
Identifiers: ClinVar variation 1179140 (VCV001179140.14), dbSNP rs1398692057, ClinGen allele CA381618261.

ClinVar aggregate classification (germline): Pathogenic/Likely pathogenic. Review status: criteria provided, multiple submitters, no conflicts (2 of 4 stars). 5 submissions from 5 submitters: Pathogenic (1); Likely pathogenic (4). Last evaluated 2026-05-27.

Conditions:
Worth disease. Also called: ENDOSTEAL HYPEROSTOSIS, AUTOSOMAL DOMINANT; OSTEOSCLEROSIS, AUTOSOMAL DOMINANT; Autosomal dominant osteosclerosis, Worth type. Identifiers: Orphanet 2790, MedGen C0432273, MONDO:0007764, OMIM 144750.
Bone mineral density quantitative trait locus 1 (BMND1). Identifiers: MedGen C1866079, OMIM 601884.
Autosomal dominant osteopetrosis 1 (OPTA1). Also called: OSTEOPETROSIS, AUTOSOMAL DOMINANT, TYPE I. Identifiers: Orphanet 2783, MedGen C1843330, MONDO:0011877, OMIM 607634.
Exudative vitreoretinopathy 4 (EVR4). Identifiers: Orphanet 891, MedGen C1866176, MONDO:0011151, OMIM 601813.
Postmenopausal osteoporosis. Also called: BONE MINERAL DENSITY QUANTITATIVE TRAIT LOCUS; OSTEOPOROSIS, INVOLUTIONAL. Identifiers: MedGen C0029458, MONDO:0008159.
Osteoporosis with pseudoglioma (OPPG). Also called: osteoporosis-pseudoglioma syndrome. Identifiers: Orphanet 2788, MedGen C0432252, MONDO:0009820, OMIM 259770.
Exudative vitreoretinopathy 1 (EVR1). Also called: CRISWICK-SCHEPENS SYNDROME; FEVR, AUTOSOMAL DOMINANT; Familial exudative vitreoretinopathy, autosomal dominant. Identifiers: Orphanet 891, Orphanet 90050, MedGen C1851402, MONDO:0007589, OMIM 133780.
Van Buchem disease type 2. Also called: Osteosclerosis of the skull and enlarged mandible. Identifiers: Orphanet 3416, MedGen C1843323, MeSH C536527.
Polycystic liver disease 4 with or without kidney cysts. Identifiers: MedGen C4693479, MONDO:0044327, OMIM 617875.
LRP5-related disorder. Also called: LRP5-related condition.

Allele frequency attached by ClinVar (database versions not stated): gnomAD 0.00001; TOPMed 0.00001.
gnomAD v4.1: 6 of 1,613,570 alleles (0.00037%); highest among the groups gnomAD compares: East Asian, 0.0022%; no homozygotes.

Submissions (5):

PreventionGenetics, part of Exact Sciences
Classification: Likely pathogenic for LRP5-related condition. Last evaluated: 2026-05-27. Review status: criteria provided, single submitter. Criteria: ACMG Guidelines, 2015. Collection method: clinical testing. Allele origin: germline.
Comment: The LRP5 c.2555C>T variant is predicted to result in the amino acid substitution p.Thr852Met. This variant was reported in individuals with familial exudative vitreoretinopathy (Tao et al. 2021. PubMed ID: 34860240; Fei et al. 2014. PubMed ID: 24715757; Cicerone et al. 2022. PubMed ID: 35328049). This variant was also seen in the de novo state along with the maternally-inherited c.1619T>C variant in one family (Fei et al 2014. PubMed ID: 24715757). A functional study showed that the p.Thr852Met variant displayed decreased activity in a luciferase assay compared to wild type (Fei et al. 2014. PubMed ID: 24715757). This variant has not been reported in a large population database and has been interpreted as likely pathogenic and pathogenic in Clinvar (Clinvar ID: 1179140). Based on this evidence, this variant is interpreted as likely pathogenic.

Genomic Medicine Center of Excellence, King Faisal Specialist Hospital and Research Centre
Classification: Likely pathogenic for Exudative vitreoretinopathy 4. Last evaluated: 2024-09-22. Review status: criteria provided, single submitter. Criteria: ACMG Guidelines, 2015. Collection method: clinical testing. Allele origin: germline.

Labcorp Genetics (formerly Invitae), Labcorp
Classification: Pathogenic. Last evaluated: 2024-04-15. Review status: criteria provided, single submitter. Criteria: Invitae Variant Classification Sherloc (09022015). Collection method: clinical testing. Allele origin: germline.
Comment: This sequence change replaces threonine, which is neutral and polar, with methionine, which is neutral and non-polar, at codon 852 of the LRP5 protein (p.Thr852Met). This variant is not present in population databases (gnomAD no frequency). This missense change has been observed in individual(s) with clinical features of familial exudative vitreoretinopathy (PMID: 24715757; Invitae). In at least one individual the data is consistent with being in trans (on the opposite chromosome) from a pathogenic variant. It has also been observed to segregate with disease in related individuals. ClinVar contains an entry for this variant (Variation ID: 1179140). Advanced modeling of protein sequence and biophysical properties (such as structural, functional, and spatial information, amino acid conservation, physicochemical variation, residue mobility, and thermodynamic stability) performed at Invitae indicates that this missense variant is expected to disrupt LRP5 protein function with a positive predictive value of 95%. Experimental studies have shown that this missense change affects LRP5 function (PMID: 24715757). For these reasons, this variant has been classified as Pathogenic.

Fulgent Genetics
Classification: Likely pathogenic for Exudative vitreoretinopathy 1; Worth disease; Osteoporosis; Osteoporosis with pseudoglioma; Exudative vitreoretinopathy 4; Bone mineral density quantitative trait locus 1; Autosomal dominant osteopetrosis 1; Polycystic liver disease 4 with or without kidney cysts. Last evaluated: 2021-06-30. Review status: criteria provided, single submitter. Criteria: ACMG Guidelines, 2015. Collection method: clinical testing. Allele origin: unknown.
Comment: This variant has been detected in individual(s) who were sent for testing of Renasight - kidney gene panel.

Juno Genomics, Hangzhou Juno Genomics, Inc
Classification: Likely pathogenic for Worth disease; Bone mineral density quantitative trait locus 1; Exudative vitreoretinopathy 4; Autosomal dominant osteopetrosis 1; Osteoporosis with pseudoglioma; Polycystic liver disease 4 with or without kidney cysts. Review status: criteria provided, single submitter. Criteria: ACMG Guidelines, 2015. Collection method: clinical testing. Allele origin: germline.
Comment: Absent from controls (or at extremely low frequency if recessive) in Genome Aggregation Database.;Missense variant in a gene that has a low rate of benign missense variation.;For recessive disorders, detected in trans with a pathogenic variant.;Co-segregation with disease in multiple affected family members.;Well-established in vitro or in vivo functional studies supportive of a damaging effect on the gene or gene product.

Literature cited by the submitters: PubMed 24715757 (cited by Labcorp Genetics (formerly Invitae), Labcorp).